The following is an entry in ClinVar:

NM_020812.4(DOCK6):c.5271C>T (p.Tyr1757=)

Gene: DOCK6 (dedicator of cytokinesis 6; minus strand). Cytogenetic location: 19p13.2.
Variant type: single nucleotide variant.
Coding change: c.5271C>T on transcript NM_020812.4 (MANE Select); coding-DNA position 5271, C replaced by T.
Protein change: p.Tyr1757=; no amino-acid change (tyrosine 1757 retained).
Molecular consequence: synonymous variant.
Genome position (GRCh38, 1-based): chr19:11,202,674, G>A on the plus strand (C>T on the coding strand, the complement: DOCK6 is on the minus strand). VCF-style: chr19-11202674-G-A. GRCh37 (hg19) VCF-style: chr19-11313350-G-A.
Other names: c.5376C>T, p.Tyr1792= (NM_001367830.1).
Identifiers: ClinVar variation 752334 (VCV000752334.27), dbSNP rs757959680, ClinGen allele CA9206538.

ClinVar aggregate classification (germline): Likely benign. Review status: criteria provided, multiple submitters, no conflicts (2 of 4 stars). 2 submissions from 2 submitters: Likely benign (2). Last evaluated 2022-03-01.

Allele frequency attached by ClinVar (database versions not stated): gnomAD exomes below 0.00001 and 0.00001; ExAC 0.00001; TOPMed 0.00001; gnomAD 0.00002.
gnomAD v4.1: 19 of 1,613,874 alleles (0.0012%); highest among the groups gnomAD compares: South Asian, 0.0022%; no homozygotes.

Submissions (2):

CeGaT Center for Human Genetics Tuebingen
Classification: Likely benign. Last evaluated: 2022-03-01. Review status: criteria provided, single submitter. Criteria: CeGaT Center For Human Genetics Tuebingen Variant Classification Criteria Version 2. Collection method: clinical testing. Allele origin: germline. Affected: yes. Observed: 1 variant allele.
Comment: DOCK6: BP4, BP7

Labcorp Genetics (formerly Invitae), Labcorp
Classification: Likely benign. Last evaluated: 2018-06-28. Review status: criteria provided, single submitter. Criteria: Invitae Variant Classification Sherloc (09022015). Collection method: clinical testing. Allele origin: germline.